The following is an entry in ClinVar:

ClinVar aggregate classification (germline): Uncertain significance (1 of 4 stars; one submission).

Conditions:
Hereditary spastic paraplegia 45. Also called: SPASTIC PARAPLEGIA 45; Spastic paraplegia 45, autosomal recessive. Identifiers: Orphanet 320396, MedGen C3888209, MONDO:0013165, OMIM 613162.

Allele frequency attached by ClinVar (database versions not stated): gnomAD exomes below 0.00001; TOPMed below 0.00001; ExAC 0.00001.

Submission:

Labcorp Genetics (formerly Invitae), Labcorp
Classification: Uncertain significance for Hereditary spastic paraplegia 45. Last evaluated: 2022-04-17. Review status: criteria provided, single submitter. Criteria: Invitae Variant Classification Sherloc (09022015). Collection method: clinical testing. Allele origin: germline.
Comment: This sequence change replaces arginine, which is basic and polar, with tryptophan, which is neutral and slightly polar, at codon 291 of the NT5C2 protein (p.Arg291Trp). In summary, the available evidence is currently insufficient to determine the role of this variant in disease. Therefore, it has been classified as a Variant of Uncertain Significance. Algorithms developed to predict the effect of missense changes on protein structure and function are either unavailable or do not agree on the potential impact of this missense change (SIFT: "Deleterious"; PolyPhen-2: "Benign"; Align-GVGD: "Class C0"). This variant has not been reported in the literature in individuals affected with NT5C2-related conditions. This variant is present in population databases (rs775316562, gnomAD 0.006%).

NM_001351169.2(NT5C2):c.871C>T (p.Arg291Trp)

Gene: NT5C2 (5'-nucleotidase, cytosolic II; minus strand). Cytogenetic location: 10q24.32.
Variant type: single nucleotide variant.
Coding change: c.871C>T on transcript NM_001351169.2 (MANE Select); coding-DNA position 871, C replaced by T.
Protein change: p.Arg291Trp; replaces arginine 291 with tryptophan.
Molecular consequence: missense variant.
Genome position (GRCh38, 1-based): chr10:103,094,398, G>A on the plus strand (C>T on the coding strand, the complement: NT5C2 is on the minus strand). VCF-style: chr10-103094398-G-A. GRCh37 (hg19) VCF-style: chr10-104854155-G-A.
Other names: c.871C>T, p.Arg291Trp (NM_001134373.3, NM_012229.5); c.895C>T, p.Arg299Trp (NM_001351170.2, NM_001351171.2, NM_001351172.2 and 1 more transcripts); c.784C>T, p.Arg262Trp (NM_001351174.1); c.778C>T, p.Arg260Trp (NM_001351175.2); c.298C>T, p.Arg100Trp (NM_001351176.2, NM_001351177.2, NM_001351178.2 and 16 more transcripts); c.157C>T, p.Arg53Trp (NM_001351194.2, NM_001351195.2, NM_001351196.2); short protein forms R291W, R262W, R299W, R100W, R260W, R53W.
Identifiers: ClinVar variation 1961732 (VCV001961732.5), dbSNP rs775316562, ClinGen allele CA5670920.